The following is an entry in ClinVar:

NM_001129.5(AEBP1):c.1735G>A (p.Glu579Lys)

Gene: AEBP1 (AE binding protein 1; plus strand). Cytogenetic location: 7p13.
Variant type: single nucleotide variant.
Coding change: c.1735G>A on transcript NM_001129.5 (MANE Select); coding-DNA position 1735, G replaced by A.
Protein change: p.Glu579Lys; replaces glutamic acid 579 with lysine.
Molecular consequence: missense variant.
Genome position (GRCh38, 1-based): chr7:44,111,525, G>A. VCF-style: chr7-44111525-G-A. GRCh37 (hg19) VCF-style: chr7-44151124-G-A.
Other names: short protein forms E579K.
Identifiers: ClinVar variation 1448139 (VCV001448139.7), dbSNP rs765778651, ClinGen allele CA4237997.

ClinVar aggregate classification (germline): Uncertain significance. Review status: criteria provided, multiple submitters, no conflicts (2 of 4 stars). 2 submissions from 2 submitters: Uncertain significance (2). Last evaluated 2025-12-26.

Allele frequency attached by ClinVar (database versions not stated): ExAC 0.00002; gnomAD 0.00002; gnomAD exomes 0.00002; TOPMed 0.00002.
gnomAD v4.1: 27 of 1,598,116 alleles (0.0017%); highest among the groups gnomAD compares: Admixed American, 0.0054%; no homozygotes.

Submissions (2):

Women's Health and Genetics/Laboratory Corporation of America, LabCorp
Classification: Uncertain significance. Last evaluated: 2025-12-26. Review status: criteria provided, single submitter. Criteria: LabCorp Variant Classification Summary - May 2015. Collection method: clinical testing. Allele origin: germline.
Comment: Variant summary: AEBP1 c.1735G>A (p.Glu579Lys) results in a conservative amino acid change in the encoded protein sequence. Algorithms developed to predict the effect of missense changes on protein structure and function are either unavailable or do not agree on the potential impact of this missense change. The variant allele was found at a frequency of 2.1e-05 in 235658 control chromosomes. The available data on variant occurrences in the general population are insufficient to allow any conclusion about variant significance. To our knowledge, no occurrence of c.1735G>A in individuals affected with AEBP1-related conditions and no experimental evidence demonstrating its impact on protein function have been reported. ClinVar contains an entry for this variant (Variation ID: 1448139). Based on the evidence outlined above, the variant was classified as uncertain significance.

Labcorp Genetics (formerly Invitae), Labcorp
Classification: Uncertain significance. Last evaluated: 2021-11-15. Review status: criteria provided, single submitter. Criteria: Invitae Variant Classification Sherloc (09022015). Collection method: clinical testing. Allele origin: germline.
Comment: In summary, the available evidence is currently insufficient to determine the role of this variant in disease. Therefore, it has been classified as a Variant of Uncertain Significance. Algorithms developed to predict the effect of missense changes on protein structure and function are either unavailable or do not agree on the potential impact of this missense change (SIFT: "Deleterious"; PolyPhen-2: "Probably Damaging"; Align-GVGD: "Class C0"). This variant has not been reported in the literature in individuals affected with AEBP1-related conditions. This variant is present in population databases (rs765778651, gnomAD 0.008%). This sequence change replaces glutamic acid, which is acidic and polar, with lysine, which is basic and polar, at codon 579 of the AEBP1 protein (p.Glu579Lys).